The following is an entry in ClinVar:

ClinVar aggregate classification (germline): Uncertain significance. Review status: criteria provided, multiple submitters, no conflicts (2 of 4 stars). 2 submissions from 2 submitters: Uncertain significance (2). Last evaluated 2018-06-14.

Conditions:
Primary ciliary dyskinesia. Also called: Ciliary dyskinesia. Identifiers: Orphanet 244, MedGen C0008780, MONDO:0016575, HP:0012265.

Allele frequency attached by ClinVar (database versions not stated): gnomAD exomes 0.00001.

Submissions (2):

Labcorp Genetics (formerly Invitae), Labcorp
Classification: Uncertain significance for Primary ciliary dyskinesia. Last evaluated: 2018-06-14. Review status: criteria provided, single submitter. Criteria: Invitae Variant Classification Sherloc (09022015). Collection method: clinical testing. Allele origin: germline.
Comment: This sequence change falls in intron 36 of the DNAH11 gene. It does not directly change the encoded amino acid sequence of the DNAH11 protein, but it affects a nucleotide within the consensus splice site of the intron. This variant is not present in population databases (ExAC no frequency). This variant has not been reported in the literature in individuals with DNAH11-related disease. Nucleotide substitutions within the consensus splice site are a relatively common cause of aberrant splicing (PMID: 17576681, 9536098). Algorithms developed to predict the effect of sequence changes on RNA splicing suggest that this variant is not likely to affect RNA splicing, but this prediction has not been confirmed by published transcriptional studies. In summary, the available evidence is currently insufficient to determine the role of this variant in disease. Therefore, it has been classified as a Variant of Uncertain Significance.

Ambry Genetics
Classification: Uncertain significance for Primary ciliary dyskinesia. Last evaluated: 2017-04-20. Review status: criteria provided, single submitter. Criteria: Ambry Variant Classification Scheme 2023. Collection method: clinical testing. Allele origin: germline.
Comment: The c.6180+3G>A intronic variant results from a G to A substitution 3 nucleotides after coding exon 36 in the DNAH11 gene. This nucleotide position is well conserved in available vertebrate species. Using the BDGP and ESEfinder splice site prediction tools, this alteration is not predicted to have any significant effect on this splice donor site; however, direct evidence is unavailable. Since supporting evidence is limited at this time, the clinical significance of this alteration remains unclear.

Literature cited by the submitters: PubMed 17576681 (cited by Labcorp Genetics (formerly Invitae), Labcorp); PubMed 9536098 (cited by Labcorp Genetics (formerly Invitae), Labcorp).

NM_001277115.2(DNAH11):c.6180+3G>A

Gene: DNAH11 (dynein axonemal heavy chain 11; plus strand). Cytogenetic location: 7p15.3.
Variant type: single nucleotide variant.
Coding change: c.6180+3G>A on transcript NM_001277115.2 (MANE Select); 3 bases into the intron after coding-DNA position 6180, G replaced by A.
Molecular consequence: intron variant.
Genome position (GRCh38, 1-based): chr7:21,698,216, G>A. VCF-style: chr7-21698216-G-A. GRCh37 (hg19) VCF-style: chr7-21737834-G-A.
Identifiers: ClinVar variation 571037 (VCV000571037.6), dbSNP rs1418531861, ClinGen allele CA572919039.